The following is an entry in ClinVar:

ClinVar aggregate classification (germline): Uncertain significance (1 of 4 stars; one submission).

Conditions:
Ataxia-telangiectasia syndrome (AT). Also called: LOUIS-BAR SYNDROME; Cerebello-oculocutaneous telangiectasia; Immunodeficiency with ataxia telangiectasia; Ataxia telangiectasia (A-T); Ataxia-telangiectasia, complementation group D; AT, COMPLEMENTATION GROUP C. Identifiers: Orphanet 100, MedGen C0004135, MONDO:0008840, OMIM 208900.

Submission:

Labcorp Genetics (formerly Invitae), Labcorp
Classification: Uncertain significance for Ataxia-telangiectasia syndrome. Last evaluated: 2021-07-01. Review status: criteria provided, single submitter. Criteria: Invitae Variant Classification Sherloc (09022015). Collection method: clinical testing. Allele origin: germline.
Comment: This variant is not present in population databases (ExAC no frequency). This variant has not been reported in the literature in individuals affected with ATM-related conditions. Algorithms developed to predict the effect of missense changes on protein structure and function (SIFT, PolyPhen-2, Align-GVGD) all suggest that this variant is likely to be disruptive. In summary, the available evidence is currently insufficient to determine the role of this variant in disease. Therefore, it has been classified as a Variant of Uncertain Significance. This sequence change replaces glutamic acid with glycine at codon 2444 of the ATM protein (p.Glu2444Gly). The glutamic acid residue is moderately conserved and there is a moderate physicochemical difference between glutamic acid and glycine.

NM_000051.4(ATM):c.7331A>G (p.Glu2444Gly)

Genes: ATM (ATM serine/threonine kinase; plus strand), C11orf65 (chromosome 11 open reading frame 65; minus strand). Cytogenetic location: 11q22.3.
Variant type: single nucleotide variant.
Coding change: c.7331A>G on transcript NM_000051.4 (MANE Select); coding-DNA position 7331, A replaced by G.
Protein change: p.Glu2444Gly; replaces glutamic acid 2444 with glycine.
Molecular consequence: missense variant. On other transcripts: intron variant (2).
Genome position (GRCh38, 1-based): chr11:108,330,237, A>G. VCF-style: chr11-108330237-A-G. GRCh37 (hg19) VCF-style: chr11-108200964-A-G.
Other names: c.7331A>G, p.Glu2444Gly (NM_001351834.2); c.641-21166T>C (NM_001330368.2); c.*38+4983T>C (NM_001351110.2); short protein forms E2444G.
Identifiers: ClinVar variation 1502833 (VCV001502833.7), dbSNP rs879254245, ClinGen allele CA382559902.